The following is an entry in ClinVar:

NM_007294.4(BRCA1):c.5520C>G (p.Asp1840Glu)

Gene: BRCA1 (BRCA1 DNA repair associated; minus strand). Cytogenetic location: 17q21.31.
Variant type: single nucleotide variant.
Coding change: c.5520C>G on transcript NM_007294.4 (MANE Select); coding-DNA position 5520, C replaced by G.
Protein change: p.Asp1840Glu; replaces aspartic acid 1840 with glutamic acid.
Molecular consequence: missense variant. On other transcripts: 3 prime UTR variant (1), non-coding transcript variant (1).
Genome position (GRCh38, 1-based): chr17:43,045,750, G>C on the plus strand (C>G on the coding strand, the complement: BRCA1 is on the minus strand). VCF-style: chr17-43045750-G-C. GRCh37 (hg19) VCF-style: chr17-41197767-G-C.
Other names: c.5514C>G, p.Asp1838Glu (NM_001407641.1, NM_001407642.1, NM_001407627.1 and 13 more transcripts); c.5511C>G, p.Asp1837Glu (NM_001407644.1, NM_001407645.1); c.5508C>G, p.Asp1836Glu (NM_001407646.1); c.5505C>G, p.Asp1835Glu (NM_001407647.1); c.5463C>G, p.Asp1821Glu (NM_001407648.1); c.5460C>G, p.Asp1820Glu (NM_001407649.1); c.5442C>G, p.Asp1814Glu (NM_001407652.1, NM_001407653.1, NM_001407654.1 and 1 more transcripts); c.5253C>G, p.Asp1751Glu (NM_001407927.1, NM_001407928.1, NM_001407929.1 and 4 more transcripts); and 74 more; short protein forms D736E, D1861E, D1840E, D1793E, D972E, D1727E, D1729E, D1770E.
Identifiers: ClinVar variation 868615 (VCV000868615.5), dbSNP rs2050873874, ClinGen allele CA10590278.
Genomic context (GRCh38, chr17:43,045,750, plus strand): 5'-GTGGGGGATCTGGGGTATCAGGTAGGTGTCCAGCTCCTGGCACTGGTAGAGTGCTACACT[G>C]TCCAACACCCACTCTCGGGTCACCACAGGTGCCTCACACATCTGCCCAATTGCTGGAGAC-3'
Protein context (NP_009225.1, residues 1830-1850): APVVTREWVL[Asp1840Glu]SVALYQCQEL

ClinVar aggregate classification (germline): Uncertain significance (1 of 4 stars; one submission).

Conditions:
Hereditary cancer-predisposing syndrome. Also called: Neoplastic Syndromes, Hereditary; Tumor predisposition; Hereditary Cancer Syndrome; Hereditary neoplastic syndrome. Identifiers: Orphanet 140162, MedGen C0027672, MeSH D009386, MONDO:0015356.

Submissions (2):

Ambry Genetics
Classification: Uncertain significance for Hereditary cancer-predisposing syndrome. Last evaluated: 2022-10-11. Review status: criteria provided, single submitter. Criteria: Ambry Variant Classification Scheme 2023. Collection method: clinical testing. Allele origin: germline.
Comment: The p.D1840E variant (also known as c.5520C>G), located in coding exon 22 of the BRCA1 gene, results from a C to G substitution at nucleotide position 5520. The aspartic acid at codon 1840 is replaced by glutamic acid, an amino acid with highly similar properties. One functional study found that this nucleotide substitution is non-functional in a high-throughput, genome editing, haploid cell survival assay (Findlay GM et al. Nature, 2018 10;562:217-222). This amino acid position is highly conserved in available vertebrate species. In addition, this alteration is predicted to be deleterious by in silico analysis. Since supporting evidence is limited at this time, the clinical significance of this alteration remains unclear.

Brotman Baty Institute, University of Washington
No classification provided (evidence only). Condition: Breast-ovarian cancer, familial 1. Review status: no classification provided. Collection method: in vitro. Allele origin: not applicable. Functional consequence: functionally_abnormal. Not counted in ClinVar's aggregate classification.
ClinVar note: "not provided" was previously submitted as the classification for the variant. However, the classification appeared to be based only on an observation of functional data so it was converted to no classification on 2025-07-30.

Literature cited by the submitters: PubMed 30209399 (cited by Ambry Genetics).